The following is an entry in ClinVar:

ClinVar aggregate classification (germline): Pathogenic (3 of 4 stars; one submission).

Conditions:
Creatine transporter deficiency (CCDS1). Also called: CEREBRAL CREATINE DEFICIENCY SYNDROME 1; Creatine Transporter (CRTR) Deficiency; Mental retardation , X-linked with seizures, short stature and midface hypoplasia; Mental retardation , X-linked, with creatine transport deficiency; X-linked creatine transporter deficiency; X-linked creatine deficiency syndrome. Identifiers: Orphanet 52503, MedGen C1845862, MONDO:0010305, OMIM 300352.

Submission:

ClinGen Cerebral Creatine Deficiency Syndromes Variant Curation Expert Panel, ClinGen
Classification: Pathogenic for Creatine transporter deficiency. Last evaluated: 2023-08-22. Review status: reviewed by expert panel. Criteria: ClinGen_CCDS_ACMG_Specifications_SLC6A8_v1.1. Collection method: curation. Allele origin: germline. Inheritance: X-linked inheritance.
Comment: The NM_005629.4:c.913-1G>A variant occurs within the canonical acceptor splice site of intron 5. . It is predicted to cause skipping of biologically-relevant-exon 6/13 (104 bp), resulting in a frameshift leading to nonsense mediated decay in a gene in which loss-of-function is an established disease mechanism (PVS1). The variant has been reported in a patient with elevated creatine/creatinine ratio on two occassions (there is a discrepancy in the biological sex of the patient between the main text and supplemental file) (PMID: 23660394). The variant is reported to be de novo in the patient (PM6). The variant is absent in gnomAD v2.1.1. (PM2_Supporting). In summary, this variant meets the criteria to be classified as pathogenic for creatine transporter deficiency. SLC6A8-specific criteria met, as specified by the ClinGen CCDS VCEP (Specifications Version 1.1.0): PVS1, PM6, PP4, PM2_Supporting. (Classification approved by the ClinGen CCDS VCEP, August 22, 2023)

NM_005629.4(SLC6A8):c.913-1G>A

Gene: SLC6A8 (solute carrier family 6 member 8; plus strand). Cytogenetic location: Xq28.
Variant type: single nucleotide variant.
Coding change: c.913-1G>A on transcript NM_005629.4 (MANE Select); the canonical splice acceptor site of the intron before coding-DNA position 913, G replaced by A.
Molecular consequence: splice acceptor variant.
Genome position (GRCh38, 1-based): chrX:153,693,262, G>A. VCF-style: chrX-153693262-G-A. GRCh37 (hg19) VCF-style: chrX-152958717-G-A.
Other names: NM_001142805.2:c.913-1G>A; c.913-1G>A (NM_001142805.2); c.568-1G>A (NM_001142806.1).
Identifiers: ClinVar variation 2583097 (VCV002583097.1), dbSNP rs2091467397, ClinGen allele CA415084391.